The following is an entry in ClinVar:

NM_003384.3(VRK1):c.1159+5G>C

Gene: VRK1 (VRK serine/threonine kinase 1; plus strand). Cytogenetic location: 14q32.2.
Variant type: single nucleotide variant.
Coding change: c.1159+5G>C on transcript NM_003384.3 (MANE Select); 5 bases into the intron after coding-DNA position 1159, G replaced by C.
Molecular consequence: intron variant.
Genome position (GRCh38, 1-based): chr14:96,876,125, G>C. VCF-style: chr14-96876125-G-C. GRCh37 (hg19) VCF-style: chr14-97342462-G-C.
Identifiers: ClinVar variation 1378308 (VCV001378308.7), dbSNP rs372052354, ClinGen allele CA7339200.

ClinVar aggregate classification (germline): Uncertain significance (1 of 4 stars; one submission).

Conditions:
Pontocerebellar hypoplasia type 1A (PCH1A). Also called: PONTOCEREBELLAR HYPOPLASIA WITH ANTERIOR HORN CELL DISEASE; PONTOCEREBELLAR HYPOPLASIA WITH INFANTILE SPINAL MUSCULAR ATROPHY. Identifiers: Orphanet 2254, Orphanet 88616, MedGen C1843504, MONDO:0011866, OMIM 607596.

Allele frequency attached by ClinVar (database versions not stated): gnomAD exomes below 0.00001 and 0.00001; ExAC 0.00001; TOPMed 0.00001; ESP Exome Variant Server 0.00008.
gnomAD v4.1: 1 of 1,613,388 alleles (0.000062%); highest among the groups gnomAD compares: African/African-American, 0.0013%; no homozygotes.

Submission:

Labcorp Genetics (formerly Invitae), Labcorp
Classification: Uncertain significance for Pontocerebellar hypoplasia type 1A. Last evaluated: 2021-03-11. Review status: criteria provided, single submitter. Criteria: Invitae Variant Classification Sherloc (09022015). Collection method: clinical testing. Allele origin: germline.
Comment: This sequence change falls in intron 12 of the VRK1 gene. It does not directly change the encoded amino acid sequence of the VRK1 protein. It affects a nucleotide within the consensus splice site of the intron. This variant is present in population databases (rs372052354, ExAC 0.01%). This variant has not been reported in the literature in individuals with VRK1-related conditions. Nucleotide substitutions within the consensus splice site are a relatively common cause of aberrant splicing (PMID: 17576681, 9536098). Algorithms developed to predict the effect of sequence changes on RNA splicing suggest that this variant may disrupt the consensus splice site, but this prediction has not been confirmed by published transcriptional studies. In summary, the available evidence is currently insufficient to determine the role of this variant in disease. Therefore, it has been classified as a Variant of Uncertain Significance.

Literature cited by the submitters: PubMed 17576681; PubMed 9536098.